The following is an entry in ClinVar:

NM_003051.4(SLC16A1):c.541C>A (p.Leu181Ile)

Gene: SLC16A1 (solute carrier family 16 member 1; minus strand). Cytogenetic location: 1p13.2.
Variant type: single nucleotide variant.
Coding change: c.541C>A on transcript NM_003051.4 (MANE Select); coding-DNA position 541, C replaced by A.
Protein change: p.Leu181Ile; replaces leucine 181 with isoleucine.
Molecular consequence: missense variant.
Genome position (GRCh38, 1-based): chr1:112,917,865, G>T on the plus strand (C>A on the coding strand, the complement: SLC16A1 is on the minus strand). VCF-style: chr1-112917865-G-T. GRCh37 (hg19) VCF-style: chr1-113460487-G-T.
Other names: c.541C>A, p.Leu181Ile (NM_001166496.2); c.541C>A (NM_003051.3); short protein forms L181I.
Identifiers: ClinVar variation 1940832 (VCV001940832.6), dbSNP rs866320665, ClinGen allele CA341828741.

ClinVar aggregate classification (germline): Uncertain significance. Review status: criteria provided, multiple submitters, no conflicts (2 of 4 stars). 2 submissions from 2 submitters: Uncertain significance (2). Last evaluated 2022-11-15.

Submissions (2):

GeneDx
Classification: Uncertain significance. Last evaluated: 2022-11-15. Review status: criteria provided, single submitter. Criteria: GeneDx Variant Classification Process June 2021. Collection method: clinical testing. Allele origin: germline. Affected: yes.
Comment: Not observed at significant frequency in large population cohorts (gnomAD); In silico analysis supports that this missense variant does not alter protein structure/function; Has not been previously published as pathogenic or benign to our knowledge

Labcorp Genetics (formerly Invitae), Labcorp
Classification: Uncertain significance. Last evaluated: 2022-04-28. Review status: criteria provided, single submitter. Criteria: Invitae Variant Classification Sherloc (09022015). Collection method: clinical testing. Allele origin: germline.
Comment: In summary, the available evidence is currently insufficient to determine the role of this variant in disease. Therefore, it has been classified as a Variant of Uncertain Significance. Algorithms developed to predict the effect of missense changes on protein structure and function are either unavailable or do not agree on the potential impact of this missense change (SIFT: "Tolerated"; PolyPhen-2: "Probably Damaging"; Align-GVGD: "Class C0"). This variant has not been reported in the literature in individuals affected with SLC16A1-related conditions. This variant is not present in population databases (gnomAD no frequency). This sequence change replaces leucine, which is neutral and non-polar, with isoleucine, which is neutral and non-polar, at codon 181 of the SLC16A1 protein (p.Leu181Ile).